The following is an entry in ClinVar:

NM_001330700.2(TOP2B):c.200G>A (p.Arg67His)

Gene: TOP2B (DNA topoisomerase II beta; minus strand). Cytogenetic location: 3p24.2.
Variant type: single nucleotide variant.
Coding change: c.200G>A on transcript NM_001330700.2 (MANE Select); coding-DNA position 200, G replaced by A.
Protein change: p.Arg67His; replaces arginine 67 with histidine.
Molecular consequence: missense variant.
Genome position (GRCh38, 1-based): chr3:25,645,340, C>T on the plus strand (G>A on the coding strand, the complement: TOP2B is on the minus strand). VCF-style: chr3-25645340-C-T. GRCh37 (hg19) VCF-style: chr3-25686831-C-T.
Other names: c.185G>A, p.Arg62His (NM_001068.3); short protein forms R62H, R67H.
Identifiers: ClinVar variation 3893464 (VCV003893464.1).
Genomic context (GRCh38, chr3:25,645,340, plus strand): 5'-TCAATTTTAGCAATAATTACCTGCGTCAATGGCTCCACTGACCCAATATATGTATCAGGA[C>T]GAAGAAGAATGTGTTCAAGTTGTGTCTTCTTCTGATACACTCTCTCAACAGACAACTTCT-3'
Protein context (NP_001317629.1, residues 57-77): KKTQLEHILL[Arg67His]PDTYIGSVEP

ClinVar aggregate classification (germline): Uncertain significance (1 of 4 stars; one submission).

Submission:

GeneDx
Classification: Uncertain significance. Last evaluated: 2024-10-24. Review status: criteria provided, single submitter. Criteria: GeneDx Variant Classification Process June 2021. Collection method: clinical testing. Allele origin: germline. Affected: yes.
Comment: Not observed at significant frequency in large population cohorts (gnomAD); In silico analysis supports that this missense variant has a deleterious effect on protein structure/function; Has not been previously published as pathogenic or benign to our knowledge